The following is an entry in ClinVar:

NM_153026.3(PRICKLE1):c.2459A>G (p.Lys820Arg)

Gene: PRICKLE1 (prickle planar cell polarity protein 1; minus strand). Cytogenetic location: 12q12.
Variant type: single nucleotide variant.
Coding change: c.2459A>G on transcript NM_153026.3 (MANE Select); coding-DNA position 2459, A replaced by G.
Protein change: p.Lys820Arg; replaces lysine 820 with arginine.
Molecular consequence: missense variant.
Genome position (GRCh38, 1-based): chr12:42,459,846, T>C on the plus strand (A>G on the coding strand, the complement: PRICKLE1 is on the minus strand). VCF-style: chr12-42459846-T-C. GRCh37 (hg19) VCF-style: chr12-42853648-T-C.
Other names: c.2459A>G, p.Lys820Arg (NM_001144881.2, NM_001144882.2, NM_001144883.2); short protein forms K820R.
Identifiers: ClinVar variation 1377929 (VCV001377929.6), dbSNP rs1798772229, ClinGen allele CA384439425.

ClinVar aggregate classification (germline): Uncertain significance (1 of 4 stars; one submission).

Conditions:
Epilepsy, progressive myoclonic, 1B. Also called: PME. Identifiers: Orphanet 308, MedGen C2676254, MONDO:0012904, OMIM 612437.

Allele frequency attached by ClinVar (database versions not stated): gnomAD exomes below 0.00001.
gnomAD v4.1: 4 of 1,614,234 alleles (0.00025%); highest among the groups gnomAD compares: Non-Finnish European, 0.00034%; no homozygotes.

Submission:

Labcorp Genetics (formerly Invitae), Labcorp
Classification: Uncertain significance for Epilepsy, progressive myoclonic, 1B. Last evaluated: 2021-08-28. Review status: criteria provided, single submitter. Criteria: Invitae Variant Classification Sherloc (09022015). Collection method: clinical testing. Allele origin: germline.
Comment: This sequence change replaces lysine with arginine at codon 820 of the PRICKLE1 protein (p.Lys820Arg). The lysine residue is highly conserved and there is a small physicochemical difference between lysine and arginine. This variant is not present in population databases (ExAC no frequency). This variant has not been reported in the literature in individuals affected with PRICKLE1-related conditions. Algorithms developed to predict the effect of missense changes on protein structure and function (SIFT, PolyPhen-2, Align-GVGD) all suggest that this variant is likely to be tolerated. In summary, the available evidence is currently insufficient to determine the role of this variant in disease. Therefore, it has been classified as a Variant of Uncertain Significance.